The following is an entry in ClinVar:

NM_005336.6(HDLBP):c.2958C>T (p.Tyr986=)

Genes: ANO7 (anoctamin 7; plus strand), HDLBP (high density lipoprotein binding protein; minus strand). Cytogenetic location: 2q37.3.
Variant type: single nucleotide variant.
Coding change: c.2958C>T on transcript NM_005336.6 (MANE Select); coding-DNA position 2958, C replaced by T.
Protein change: p.Tyr986=; no amino-acid change (tyrosine 986 retained).
Molecular consequence: synonymous variant.
Genome position (GRCh38, 1-based): chr2:241,235,541, G>A on the plus strand (C>T on the coding strand, the complement: HDLBP is on the minus strand). VCF-style: chr2-241235541-G-A. GRCh37 (hg19) VCF-style: chr2-242174956-G-A.
Other names: c.2859C>T, p.Tyr953= (NM_001243900.3); c.2958C>T, p.Tyr986= (NM_001320965.3, NM_001320966.3, NM_001320967.3 and 1 more transcripts).
Identifiers: ClinVar variation 3047044 (VCV003047044.2), dbSNP rs144083652, ClinGen allele CA2216156.

ClinVar aggregate classification (germline): Likely benign (0 of 4 stars; one submission).

Conditions:
HDLBP-related disorder. Also called: HDLBP-related condition.

Allele frequency attached by ClinVar (database versions not stated): ExAC 0.00001; gnomAD 0.00003; gnomAD exomes 0.00004; 1000 Genomes Project 30x 0.00047; 1000 Genomes Project 0.00060.
gnomAD v4.1: 56 of 1,614,044 alleles (0.0035%); highest among the groups gnomAD compares: East Asian, 0.1%; no homozygotes.

Submission:

PreventionGenetics, part of Exact Sciences
Classification: Likely benign for HDLBP-related condition. Last evaluated: 2019-03-20. Review status: no assertion criteria provided. Collection method: clinical testing. Allele origin: germline.
Comment: This variant is classified as likely benign based on ACMG/AMP sequence variant interpretation guidelines (Richards et al. 2015 PMID: 25741868, with internal and published modifications).